The following is an entry in ClinVar:

NM_053025.4(MYLK):c.682G>A (p.Val228Met)

Gene: MYLK (myosin light chain kinase; minus strand). Cytogenetic location: 3q21.1.
Variant type: single nucleotide variant.
Coding change: c.682G>A on transcript NM_053025.4 (MANE Select); coding-DNA position 682, G replaced by A.
Protein change: p.Val228Met; replaces valine 228 with methionine.
Molecular consequence: missense variant.
Genome position (GRCh38, 1-based): chr3:123,737,450, C>T on the plus strand (G>A on the coding strand, the complement: MYLK is on the minus strand). VCF-style: chr3-123737450-C-T. GRCh37 (hg19) VCF-style: chr3-123456297-C-T.
Other names: c.154G>A, p.Val52Met (NM_001321309.2); c.682G>A, p.Val228Met (NM_053026.4, NM_053027.4, NM_053028.4); short protein forms V228M, V52M.
Identifiers: ClinVar variation 342901 (VCV000342901.12), dbSNP rs781483544, ClinGen allele CA073451.

ClinVar aggregate classification (germline): Conflicting classifications of pathogenicity. Review status: criteria provided, conflicting classifications (1 of 4 stars). 4 submissions from 4 submitters: Uncertain significance (3); Likely benign (1). Last evaluated 2025-07-30.

Conditions:
Familial thoracic aortic aneurysm and aortic dissection (TAAD). Also called: Thoracic aortic aneurysms and dissections. Identifiers: Orphanet 91387, MedGen C4707243, MONDO:0019625.
Aortic aneurysm, familial thoracic 7 (AAT7). Also called: AORTIC DISSECTION, FAMILIAL, WITH OR WITHOUT AORTIC ANEURYSM. Identifiers: MedGen C3151077, MONDO:0013418, OMIM 613780.

Allele frequency attached by ClinVar (database versions not stated): ExAC 0.00001; gnomAD 0.00001.

Submissions (4):

Labcorp Genetics (formerly Invitae), Labcorp
Classification: Uncertain significance for Aortic aneurysm, familial thoracic 7. Last evaluated: 2025-07-30. Review status: criteria provided, single submitter. Criteria: Invitae Variant Classification Sherloc (09022015). Collection method: clinical testing. Allele origin: germline.
Comment: This sequence change replaces valine, which is neutral and non-polar, with methionine, which is neutral and non-polar, at codon 228 of the MYLK protein (p.Val228Met). This variant is present in population databases (rs781483544, gnomAD 0.0008%). This variant has not been reported in the literature in individuals affected with MYLK-related conditions. ClinVar contains an entry for this variant (Variation ID: 342901). Invitae Evidence Modeling of protein sequence and biophysical properties (such as structural, functional, and spatial information, amino acid conservation, physicochemical variation, residue mobility, and thermodynamic stability) indicates that this missense variant is not expected to disrupt MYLK protein function with a negative predictive value of 95%. In summary, the available evidence is currently insufficient to determine the role of this variant in disease. Therefore, it has been classified as a Variant of Uncertain Significance.

GeneDx
Classification: Uncertain significance. Last evaluated: 2024-07-15. Review status: criteria provided, single submitter. Criteria: GeneDx Variant Classification Process June 2021. Collection method: clinical testing. Allele origin: germline. Affected: yes.
Comment: Has not been previously published as pathogenic or benign to our knowledge; Not observed at significant frequency in large population cohorts (gnomAD); In silico analysis indicates that this missense variant does not alter protein structure/function

Ambry Genetics
Classification: Likely benign for Familial thoracic aortic aneurysm and aortic dissection. Last evaluated: 2023-04-26. Review status: criteria provided, single submitter. Criteria: Ambry Variant Classification Scheme 2023. Collection method: clinical testing. Allele origin: germline.

Illumina Laboratory Services, Illumina
Classification: Uncertain significance for Aortic aneurysm, familial thoracic 7. Last evaluated: 2018-01-13. Review status: criteria provided, single submitter. Criteria: ICSL Variant Classification Criteria 13 December 2019. Collection method: clinical testing. Allele origin: germline.